The following is an entry in ClinVar:

ClinVar aggregate classification (germline): Uncertain significance. Review status: criteria provided, multiple submitters, no conflicts (2 of 4 stars). 3 submissions from 3 submitters: Uncertain significance (3). Last evaluated 2024-04-22.

Conditions:
Paroxysmal familial ventricular fibrillation. Also called: Idiopathic ventricular fibrillation, non Brugada type. Identifiers: Orphanet 228140, MedGen C0340493, MONDO:0100234.
Charcot-Marie-Tooth disease type 2. Also called: Charcot-Marie-Tooth type 2. Identifiers: Orphanet 64746, MedGen C0270914, MONDO:0018993.

Allele frequency attached by ClinVar (database versions not stated): gnomAD exomes below 0.00001.
gnomAD v4.1: 4 of 1,600,280 alleles (0.00025%); highest among the groups gnomAD compares: Non-Finnish European, 0.00034%; no homozygotes.

Submissions (3):

Labcorp Genetics (formerly Invitae), Labcorp
Classification: Uncertain significance for Charcot-Marie-Tooth disease type 2. Last evaluated: 2024-04-22. Review status: criteria provided, single submitter. Criteria: Invitae Variant Classification Sherloc (09022015). Collection method: clinical testing. Allele origin: germline.
Comment: This sequence change replaces threonine, which is neutral and polar, with serine, which is neutral and polar, at codon 27 of the LMNA protein (p.Thr27Ser). This variant is not present in population databases (gnomAD no frequency). This missense change has been observed in individual(s) with clinical features of autosomal dominant LMNA-related conditions (PMID: 25481314; Invitae). ClinVar contains an entry for this variant (Variation ID: 217834). Advanced modeling of protein sequence and biophysical properties (such as structural, functional, and spatial information, amino acid conservation, physicochemical variation, residue mobility, and thermodynamic stability) performed at Invitae indicates that this missense variant is expected to disrupt LMNA protein function with a positive predictive value of 95%. This variant disrupts the p.Thr27 amino acid residue in LMNA. Other variant(s) that disrupt this residue have been observed in individuals with LMNA-related conditions (PMID: 23703017, 25256213), which suggests that this may be a clinically significant amino acid residue. In summary, the available evidence is currently insufficient to determine the role of this variant in disease. Therefore, it has been classified as a Variant of Uncertain Significance.

Blueprint Genetics
Classification: Uncertain significance. Last evaluated: 2020-08-10. Review status: criteria provided, single submitter. Criteria: ACMG Guidelines, 2015. Collection method: clinical testing. Allele origin: germline.

Agnes Ginges Centre for Molecular Cardiology, Centenary Institute
Classification: Uncertain significance for Idiopathic ventricular fibrillation. Last evaluated: 2015-08-12. Review status: criteria provided, single submitter. Criteria: Agnes Ginges Centre for Molecular Cardiology criteria (2015). Collection method: research. Allele origin: germline. Inheritance: Autosomal dominant inheritance. Affected: yes.
Comment: The LMNA Thr27Ser is a novel variant. It is absent from both the 1000 genomes project and the Exome Aggregation Consortium dataset. Both patients also have an additional variant (DSP Tyr2396Asn) which is classified as a variant of "uncertain significance". Interestingly, a different rare variant at the same position (Thr27Ile) has been reported in a a family with autosomal limb-girdle muscular dystrophy (Nzwalo H, et al., 2013). Predictions from in silico tools are contradictory. SIFT and MutationTaster predict the amino acid substitution to be "deleterious" and "disease-causing", respectively. PolyPhen2 predicts this variant to be "benign". Based on its absence in the general population and our limited familial data, we classify LMNA Thr27Ser as a variant of "uncertain significance".

Literature cited by the submitters: PubMed 25481314 (cited by Labcorp Genetics (formerly Invitae), Labcorp); PubMed 23703017 (cited by Labcorp Genetics (formerly Invitae), Labcorp and Agnes Ginges Centre for Molecular Cardiology, Centenary Institute); PubMed 25256213 (cited by Labcorp Genetics (formerly Invitae), Labcorp).

NM_170707.4(LMNA):c.80C>G (p.Thr27Ser)

Genes: LMNA (lamin A/C; plus strand), LOC129931597 (ATAC-STARR-seq lymphoblastoid silent region 1421; plus strand). Cytogenetic location: 1q22.
Variant type: single nucleotide variant.
Coding change: c.80C>G on transcript NM_170707.4 (MANE Select); coding-DNA position 80, C replaced by G.
Protein change: p.Thr27Ser; replaces threonine 27 with serine.
Molecular consequence: missense variant.
Genome position (GRCh38, 1-based): chr1:156,114,998, C>G. VCF-style: chr1-156114998-C-G. GRCh37 (hg19) VCF-style: chr1-156084789-C-G.
Other names: c.80C>G, p.Thr27Ser (NM_001282625.2, NM_001282626.2, NM_005572.4 and 1 more transcripts); short protein forms T27S.
Identifiers: ClinVar variation 217834 (VCV000217834.8), dbSNP rs863225270, ClinGen allele CA279587.